The following is an entry in ClinVar:

NM_017514.5(PLXNA3):c.3184G>A (p.Gly1062Ser)

Gene: PLXNA3 (plexin A3; plus strand). Cytogenetic location: Xq28.
Variant type: single nucleotide variant.
Coding change: c.3184G>A on transcript NM_017514.5 (MANE Select); coding-DNA position 3184, G replaced by A.
Protein change: p.Gly1062Ser; replaces glycine 1062 with serine.
Molecular consequence: missense variant.
Genome position (GRCh38, 1-based): chrX:154,467,133, G>A. VCF-style: chrX-154467133-G-A. GRCh37 (hg19) VCF-style: chrX-153695476-G-A.
Other names: short protein forms G1062S.
Identifiers: ClinVar variation 3349110 (VCV003349110.1).

ClinVar aggregate classification (germline): Uncertain significance (0 of 4 stars; one submission).

Conditions:
PLXNA3-related disorder. Also called: PLXNA3-related condition.

gnomAD v4.1: 3 of 1,208,809 alleles (0.00025%); highest among the groups gnomAD compares: South Asian, 0.0018%; no homozygotes.

Submission:

PreventionGenetics, part of Exact Sciences
Classification: Uncertain significance for PLXNA3-related condition. Last evaluated: 2024-02-07. Review status: no assertion criteria provided. Collection method: clinical testing. Allele origin: germline.
Comment: The PLXNA3 c.3184G>A variant is predicted to result in the amino acid substitution p.Gly1062Ser. To our knowledge, this variant has not been reported in the literature or in a large population database, indicating this variant is rare. At this time, the clinical significance of this variant is uncertain due to the absence of conclusive functional and genetic evidence.